The following is an entry in ClinVar:

NM_001365951.3(KIF1B):c.1898G>T (p.Arg633Leu)

Gene: KIF1B (kinesin family member 1B; plus strand). Cytogenetic location: 1p36.22.
Variant type: single nucleotide variant.
Coding change: c.1898G>T on transcript NM_001365951.3 (MANE Select); coding-DNA position 1898, G replaced by T.
Protein change: p.Arg633Leu; replaces arginine 633 with leucine.
Molecular consequence: missense variant.
Genome position (GRCh38, 1-based): chr1:10,296,933, G>T. VCF-style: chr1-10296933-G-T. GRCh37 (hg19) VCF-style: chr1-10356991-G-T.
Other names: c.1898G>T, p.Arg633Leu (NM_001365952.1); c.1760G>T, p.Arg587Leu (NM_001365953.1, NM_015074.3, NM_183416.4); short protein forms R587L, R633L.
Identifiers: ClinVar variation 4043045 (VCV004043045.1).

ClinVar aggregate classification (germline): Uncertain significance (1 of 4 stars; one submission).

Submission:

Ambry Genetics
Classification: Uncertain significance. Last evaluated: 2025-05-03. Review status: criteria provided, single submitter. Criteria: Ambry Variant Classification Scheme 2023. Collection method: clinical testing. Allele origin: germline.
Comment: The p.R587L variant (also known as c.1760G>T), located in coding exon 18 of the KIF1B gene, results from a G to T substitution at nucleotide position 1760. The arginine at codon 587 is replaced by leucine, an amino acid with dissimilar properties. This amino acid position is conserved. In addition, this alteration is predicted to be deleterious by in silico analysis. Based on the available evidence, the clinical significance of this variant remains unclear.